The following is an entry in ClinVar:

ClinVar aggregate classification (germline): Uncertain significance. Review status: criteria provided, multiple submitters, no conflicts (2 of 4 stars). 2 submissions from 2 submitters: Uncertain significance (2). Last evaluated 2026-03-31.

Conditions:
Inborn genetic diseases. Identifiers: MedGen C0950123, MeSH D030342.
CHARGE syndrome (CHARGE). Also called: Hittner Hirsch Kreh syndrome; CHARGE ASSOCIATION--COLOBOMA, HEART ANOMALY, CHOANAL ATRESIA, RETARDATION, GENITAL AND EAR ANOMALIES; Coloboma, heart anomaly, choanal atresia, retardation, genital and ear anomalies; CHARGE association; Hall-Hittner syndrome. Identifiers: Orphanet 138, MedGen C0265354, MONDO:0008965.

Allele frequency attached by ClinVar (database versions not stated): gnomAD exomes below 0.00001.
gnomAD v4.1: 1 of 1,606,700 alleles (0.000062%); highest among the groups gnomAD compares: Admixed American, 0.0017%; no homozygotes.

Submissions (2):

Ambry Genetics
Classification: Uncertain significance for Inborn genetic diseases. Last evaluated: 2026-03-31. Review status: criteria provided, single submitter. Criteria: Ambry Variant Classification Scheme 2023. Collection method: clinical testing. Allele origin: germline.
Comment: The c.1840G>T (p.G614C) alteration is located in exon 3 (coding exon 2) of the CHD7 gene. This alteration results from a G to T substitution at nucleotide position 1840, causing the glycine (G) at amino acid position 614 to be replaced by a cysteine (C). Based on data from gnomAD, the T allele has an overall frequency of <0.001% (1/234900) total alleles studied. The highest observed frequency was 0.003% (1/32898) of Latino alleles. Based on insufficient or conflicting evidence, the clinical significance of this alteration remains unclear.

Labcorp Genetics (formerly Invitae), Labcorp
Classification: Uncertain significance for CHARGE syndrome. Last evaluated: 2023-10-04. Review status: criteria provided, single submitter. Criteria: Invitae Variant Classification Sherloc (09022015). Collection method: clinical testing. Allele origin: germline.
Comment: This sequence change replaces glycine, which is neutral and non-polar, with cysteine, which is neutral and slightly polar, at codon 614 of the CHD7 protein (p.Gly614Cys). The frequency data for this variant in the population databases is considered unreliable, as metrics indicate poor data quality at this position in the gnomAD database. This variant has not been reported in the literature in individuals affected with CHD7-related conditions. ClinVar contains an entry for this variant (Variation ID: 2197545). Advanced modeling of protein sequence and biophysical properties (such as structural, functional, and spatial information, amino acid conservation, physicochemical variation, residue mobility, and thermodynamic stability) performed at Invitae indicates that this missense variant is not expected to disrupt CHD7 protein function. In summary, the available evidence is currently insufficient to determine the role of this variant in disease. Therefore, it has been classified as a Variant of Uncertain Significance.

NM_017780.4(CHD7):c.1840G>T (p.Gly614Cys)

Genes: CHD7 (chromodomain helicase DNA binding protein 7; plus strand), LOC126860403 (CDK7 strongly-dependent group 2 enhancer GRCh37_chr8:61693034-61694233; plus strand). Cytogenetic location: 8q12.2.
Variant type: single nucleotide variant.
Coding change: c.1840G>T on transcript NM_017780.4 (MANE Select); coding-DNA position 1840, G replaced by T.
Protein change: p.Gly614Cys; replaces glycine 614 with cysteine.
Molecular consequence: missense variant. On other transcripts: intron variant (1).
Genome position (GRCh38, 1-based): chr8:60,781,174, G>T. VCF-style: chr8-60781174-G-T. GRCh37 (hg19) VCF-style: chr8-61693733-G-T.
Other names: c.1716+124G>T (NM_001316690.1); c.1840G>T (NM_017780.3); short protein forms G614C.
Identifiers: ClinVar variation 2197545 (VCV002197545.5), dbSNP rs1295700805, ClinGen allele CA371312370.
Genomic context (GRCh38, chr8:60,781,174, plus strand): 5'-CCACAACAAAAGAAGAAGAAAAAGAAAAACAACCACATTGTAGCAGAGGATCCCAGTAAA[G>T]GTTTTGGTAAAGATGACTTCCCTGGTGGGGTAGATAACCAAGAACTAAATAGGAACTCAC-3'
Protein context (NP_060250.2, residues 604-624): NHIVAEDPSK[Gly614Cys]FGKDDFPGGV